The following is an entry in ClinVar:

ClinVar aggregate classification (germline): Likely benign. Review status: criteria provided, multiple submitters, no conflicts (2 of 4 stars). 5 submissions from 5 submitters: Likely benign (4). 1 of the submissions does not count toward it. Last evaluated 2026-01-11.

Conditions:
Myopathy, lactic acidosis, and sideroblastic anemia 1 (MLASA1). Identifiers: Orphanet 2598, MedGen C4551958, MONDO:0024553, OMIM 600462.
Inborn mitochondrial myopathy. Also called: Mitochondrial myopathy; Mitochondrial Myopathies. Identifiers: Orphanet 206966, MedGen C0162670, MONDO:0009637, HP:0003737.
Sideroblastic anemia. Also called: Sideroblastic anaemia. Identifiers: Orphanet 1047, MedGen C0002896, MONDO:0015194, HP:0001924.

Allele frequency attached by ClinVar (database versions not stated): TOPMed 0.00014; ESP Exome Variant Server 0.00023; gnomAD 0.00025.
gnomAD v4.1: 233 of 1,613,764 alleles (0.014%); highest among the groups gnomAD compares: Admixed American, 0.045%; no homozygotes.

Submissions (5):

Labcorp Genetics (formerly Invitae), Labcorp
Classification: Likely benign. Last evaluated: 2026-01-11. Review status: criteria provided, single submitter. Criteria: Invitae Variant Classification Sherloc (09022015). Collection method: clinical testing. Allele origin: germline.

Blueprint Genetics
Classification: Likely benign. Last evaluated: 2024-10-25. Review status: criteria provided, single submitter. Criteria: ACMG Guidelines, 2015. Collection method: clinical testing. Allele origin: germline.

GeneDx
Classification: Likely benign. Last evaluated: 2017-09-26. Review status: criteria provided, single submitter. Criteria: GeneDx Variant Classification (06012015). Collection method: clinical testing. Allele origin: germline. Affected: yes.
Comment: This variant is considered likely benign or benign based on one or more of the following criteria: it is a conservative change, it occurs at a poorly conserved position in the protein, it is predicted to be benign by multiple in silico algorithms, and/or has population frequency not consistent with disease.

Illumina Laboratory Services, Illumina
Classification: Likely benign for Myopathy, lactic acidosis, and sideroblastic anemia 1. Last evaluated: 2017-09-25. Review status: criteria provided, single submitter. Criteria: ICSL Variant Classification Criteria 13 December 2019. Collection method: clinical testing. Allele origin: germline.
Comment: This variant was observed as part of a predisposition screen in an ostensibly healthy population. A literature search was performed for the gene, cDNA change, and amino acid change (where applicable). No publications were found based on this search. Allele frequency data from public databases allowed determination this variant is unlikely to cause disease. Therefore, this variant is classified as likely benign.

Natera, Inc.
Classification: Likely benign for Mitochondrial myopathy; sideroblastic anemia. Last evaluated: 2020-09-16. Review status: no assertion criteria provided. Collection method: clinical testing. Allele origin: germline. Not counted in ClinVar's aggregate classification.

NM_025215.6(PUS1):c.1065G>T (p.Pro355=)

Gene: PUS1 (pseudouridine synthase 1; plus strand). Cytogenetic location: 12q24.33.
Variant type: single nucleotide variant.
Coding change: c.1065G>T on transcript NM_025215.6 (MANE Select); coding-DNA position 1065, G replaced by T.
Protein change: p.Pro355=; no amino-acid change (proline 355 retained).
Molecular consequence: synonymous variant.
Genome position (GRCh38, 1-based): chr12:131,941,812, G>T. VCF-style: chr12-131941812-G-T. GRCh37 (hg19) VCF-style: chr12-132426357-G-T.
Other names: c.981G>T, p.Pro327= (NM_001002019.3, NM_001002020.3).
Identifiers: ClinVar variation 512031 (VCV000512031.17), dbSNP rs147555676, ClinGen allele CA6884308.